The following is an entry in ClinVar:

ClinVar aggregate classification (germline): Pathogenic (1 of 4 stars; one submission).

Submission:

Labcorp Genetics (formerly Invitae), Labcorp
Classification: Pathogenic. Last evaluated: 2023-09-08. Review status: criteria provided, single submitter. Criteria: Invitae Variant Classification Sherloc (09022015). Collection method: clinical testing. Allele origin: germline.
Comment: ClinVar contains an entry for this variant (Variation ID: 1901495). For these reasons, this variant has been classified as Pathogenic. This variant has not been reported in the literature in individuals affected with USH2A-related conditions. This variant is not present in population databases (gnomAD no frequency). This sequence change creates a premature translational stop signal (p.Gln2862Argfs*12) in the USH2A gene. It is expected to result in an absent or disrupted protein product. Loss-of-function variants in USH2A are known to be pathogenic (PMID: 10729113, 10909849, 20507924, 25649381).

Literature cited by the submitters: PubMed 10729113; PubMed 10909849; PubMed 20507924; PubMed 25649381.

NM_206933.4(USH2A):c.8585del (p.Gln2862fs)

Gene: USH2A (usherin; minus strand). Cytogenetic location: 1q41.
Variant type: Deletion.
Coding change: c.8585del on transcript NM_206933.4 (MANE Select); coding-DNA position 8585, one base deleted (A; older notation c.8585delA).
Protein change: p.Gln2862fs; shifts the reading frame from glutamine 2862.
Molecular consequence: frameshift variant.
Genome position (GRCh38, 1-based): chr1:215,877,854, T deleted on the plus strand (A on the coding strand, the reverse complement: USH2A is on the minus strand). VCF-style (leftmost placement, unchanged base first): chr1-215877853-CT-C. GRCh37 (hg19) VCF-style: chr1-216051195-CT-C.
Other names: short protein forms Q2862fs.
Identifiers: ClinVar variation 1901495 (VCV001901495.5), dbSNP rs2464713516, ClinGen allele CA2580062078.